The following is an entry in ClinVar:

NM_024675.4(PALB2):c.2015A>G (p.Glu672Gly)

Gene: PALB2 (partner and localizer of BRCA2; minus strand). Cytogenetic location: 16p12.2.
Variant type: single nucleotide variant.
Coding change: c.2015A>G on transcript NM_024675.4 (MANE Select); coding-DNA position 2015, A replaced by G.
Protein change: p.Glu672Gly; replaces glutamic acid 672 with glycine.
Molecular consequence: missense variant.
Genome position (GRCh38, 1-based): chr16:23,630,139, T>C on the plus strand (A>G on the coding strand, the complement: PALB2 is on the minus strand). VCF-style: chr16-23630139-T-C. GRCh37 (hg19) VCF-style: chr16-23641460-T-C.
Other names: c.1955A>G, p.Glu652Gly (NM_001407296.1); c.2015A>G, p.Glu672Gly (NM_001407297.1, NM_001407298.1, NM_001407299.1 and 3 more transcripts); c.1130A>G, p.Glu377Gly (NM_001407304.1, NM_001407305.1, NM_001407306.1 and 5 more transcripts); c.227A>G, p.Glu76Gly (NM_001407312.1, NM_001407313.1); short protein forms E652G, E672G, E377G, E76G.
Identifiers: ClinVar variation 1784459 (VCV001784459.3), dbSNP rs2142383435, ClinGen allele CA395127059.
Genomic context (GRCh38, chr16:23,630,139, plus strand): 5'-TGGCTTTGCGAGTTTGGCCTTTTGGGATGTGATTTTCCTGGTAGAACAATAAGGTCCTCT[T>C]CTAAGTCCTCCATTTCTGTATCCATGCGTTTAGGACTCAGTTCCTCTGGAAAAATACAGC-3'
Protein context (NP_078951.2, residues 662-682): KRMDTEMEDL[Glu672Gly]EDLIVLPGKS

ClinVar aggregate classification (germline): Uncertain significance (1 of 4 stars; one submission).

Conditions:
Hereditary cancer-predisposing syndrome. Also called: Neoplastic Syndromes, Hereditary; Tumor predisposition; Hereditary Cancer Syndrome; Hereditary neoplastic syndrome. Identifiers: Orphanet 140162, MedGen C0027672, MeSH D009386, MONDO:0015356.

Submission:

Ambry Genetics
Classification: Uncertain significance for Hereditary cancer-predisposing syndrome. Last evaluated: 2025-05-09. Review status: criteria provided, single submitter. Criteria: Ambry Variant Classification Scheme 2023. Collection method: clinical testing. Allele origin: germline.
Comment: The p.E672G variant (also known as c.2015A>G), located in coding exon 5 of the PALB2 gene, results from an A to G substitution at nucleotide position 2015. The glutamic acid at codon 672 is replaced by glycine, an amino acid with similar properties. This amino acid position is conserved. In addition, this alteration is predicted to be tolerated by in silico analysis. Since supporting evidence is limited at this time, the clinical significance of this alteration remains unclear.